The following is an entry in ClinVar:

NM_000093.5(COL5A1):c.5227_5235del (p.Thr1743_His1745del)

Genes: COL5A1 (collagen type V alpha 1 chain; plus strand), LOC101448202 (uncharacterized LOC101448202; minus strand). Cytogenetic location: 9q34.3.
Variant type: Deletion.
Coding change: c.5227_5235del on transcript NM_000093.5 (MANE Select); coding-DNA positions 5227 to 5235, 9 bases deleted (ACCTACCAC; older notation c.5227_5235delACCTACCAC).
Protein change: p.Thr1743_His1745del.
Molecular consequence: inframe deletion.
Genome position (GRCh38, 1-based): chr9:134,835,061-134,835,069, ACCTACCAC deleted; deleting any 9 consecutive bases within chr9:134,835,060-134,835,069 gives the same sequence; the c. name uses the placement nearest the transcript's 3' end. VCF-style (leftmost placement, unchanged base first): chr9-134835059-TCACCTACCA-T. GRCh37 (hg19) VCF-style: chr9-137726905-TCACCTACCA-T.
Other names: c.5227_5235del, p.Thr1743_His1745del (NM_001278074.1).
Identifiers: ClinVar variation 422922 (VCV000422922.2), dbSNP rs1064796096, ClinGen allele CA16618790.

ClinVar aggregate classification (germline): Uncertain significance (1 of 4 stars; one submission).

Submission:

GeneDx
Classification: Uncertain significance. Last evaluated: 2017-01-05. Review status: criteria provided, single submitter. Criteria: GeneDx Variant Classification (06012015). Collection method: clinical testing. Allele origin: germline. Affected: yes.
Comment: The c.5227_5235delACCTACCAC variant in the COL5A1 gene has not been reported previously as a pathogenic variant nor as a benign variant, to our knowledge. This variant causes an in frame deletion of three amino acids, Threonine 1743, Tyrosine 1744, and Histidine 1745, denoted p.Thr1743_His1745del. This deletion occurs at residues that are conserved across species (Thr1743 and Tyr1744) and not conserved (His1745). The c.5227_5235delACCTACCAC variant was not observed in approximately 6500 individuals of European and African American ancestry in the NHLBI Exome Sequencing Project, indicating it is not a common benign variant in these populations. We interpret c.5227_5235delACCTACCAC as a variant of uncertain significance.